The following is an entry in ClinVar:

ClinVar aggregate classification (germline): Pathogenic (1 of 4 stars; one submission).

Conditions:
Breast-ovarian cancer, familial, susceptibility to, 2 (BROVCA2). Also called: BRCA2 Hereditary Breast and Ovarian Cancer. Identifiers: Orphanet 145, MedGen C2675520, MONDO:0012933, OMIM 612555. Disease mechanism: loss of function.

Submission:

Myriad Genetics, Inc.
Classification: Pathogenic for Breast-ovarian cancer, familial, susceptibility to, 2. Last evaluated: 2023-01-17. Review status: criteria provided, single submitter. Criteria: Myriad Autosomal Dominant, Autosomal Recessive and X-Linked Classification Criteria (2023). Collection method: clinical testing. Allele origin: unknown.
Comment: This variant is considered pathogenic. This variant creates a frameshift predicted to result in premature protein truncation.

NM_000059.4(BRCA2):c.2495_2502del (p.Glu832fs)

Gene: BRCA2 (BRCA2 DNA repair associated; plus strand). Cytogenetic location: 13q13.1.
Variant type: Deletion.
Coding change: c.2495_2502del on transcript NM_000059.4 (MANE Select); coding-DNA positions 2495 to 2502, 8 bases deleted (AGCTGTTG; older notation c.2495_2502delAGCTGTTG).
Protein change: p.Glu832fs; shifts the reading frame from glutamic acid 832.
Molecular consequence: frameshift variant.
Genome position (GRCh38, 1-based): chr13:32,336,850-32,336,857, AGCTGTTG deleted; deleting any 8 consecutive bases within chr13:32,336,846-32,336,857 gives the same sequence; the c. name uses the placement nearest the transcript's 3' end. VCF-style (leftmost placement, unchanged base first): chr13-32336845-CGTTGAGCT-C. GRCh37 (hg19) VCF-style: chr13-32910982-CGTTGAGCT-C.
Other names: c.2495_2502delAGCTGTTG, p.Glu832Alafs (NM_001406719.1, NM_001406720.1); short protein forms E832fs.
Identifiers: ClinVar variation 2431264 (VCV002431264.1), dbSNP rs2548524102, ClinGen allele CA2580087274.